The following is an entry in ClinVar:

NR_199791.1(RNU2-2):n.30A>G

Genes: RNU2-2 (RNA, U2 small nuclear 2; minus strand), WDR74 (WD repeat domain 74; minus strand). Cytogenetic location: 11q12.3.
Variant type: single nucleotide variant.
Molecular consequence: non-coding transcript variant (on NR_199791.1). On other transcripts: 5 prime UTR variant (1).
Genome position: GRCh38 VCF-style: chr11-62841780-T-C. GRCh37 (hg19) VCF-style: chr11-62609252-T-C.
Other names: c.-509A>G (NM_001369451.1).
Identifiers: ClinVar variation 4540469 (VCV004540469.1).

ClinVar aggregate classification (germline): Uncertain significance (1 of 4 stars; one submission).

Submission:

Institute for Human Genetics, University Hospital Essen
Classification: Uncertain significance. Last evaluated: 2025-11-27. Review status: criteria provided, single submitter. Criteria: Submitter's publication. Collection method: clinical testing. Allele origin: biparental. Inheritance: Autosomal unknown. Affected: yes. Observed: 1 variant allele, 1 homozygote.
Comment: PM1, PM2_supp (criteria rationale detailed in Leitão et al. Nature Genetics 2026)